The following is an entry in ClinVar:

ClinVar aggregate classification (germline): Conflicting classifications of pathogenicity. Review status: criteria provided, conflicting classifications (1 of 4 stars). 3 submissions from 3 submitters: Uncertain significance (2); Likely benign (1). Last evaluated 2025-06-10.

Conditions:
Inborn genetic diseases. Identifiers: MedGen C0950123, MeSH D030342.

Allele frequency attached by ClinVar (database versions not stated): gnomAD exomes 0.00004 and 0.00021; TOPMed 0.00005; ExAC 0.00006; gnomAD 0.00006.
gnomAD v4.1: 305 of 1,611,672 alleles (0.019%); highest among the groups gnomAD compares: Non-Finnish European, 0.025%; no homozygotes.

Submissions (3):

Labcorp Genetics (formerly Invitae), Labcorp
Classification: Uncertain significance. Last evaluated: 2025-06-10. Review status: criteria provided, single submitter. Criteria: Invitae Variant Classification Sherloc (09022015). Collection method: clinical testing. Allele origin: germline.
Comment: This sequence change falls in intron 8 of the NSUN2 gene. It does not directly change the encoded amino acid sequence of the NSUN2 protein. It affects a nucleotide within the consensus splice site. This variant is present in population databases (rs765461729, gnomAD 0.007%). This variant has not been reported in the literature in individuals affected with NSUN2-related conditions. ClinVar contains an entry for this variant (Variation ID: 1337364). Variants that disrupt the consensus splice site are a relatively common cause of aberrant splicing (PMID: 17576681, 9536098). Algorithms developed to predict the effect of sequence changes on RNA splicing suggest that this variant is not likely to affect RNA splicing. In summary, the available evidence is currently insufficient to determine the role of this variant in disease. Therefore, it has been classified as a Variant of Uncertain Significance.

Ambry Genetics
Classification: Uncertain significance for Inborn genetic diseases. Last evaluated: 2022-08-30. Review status: criteria provided, single submitter. Criteria: Ambry Variant Classification Scheme 2023. Collection method: clinical testing. Allele origin: germline.
Comment: The c.891-3T>C intronic alteration consists of a T to C substitution 3 nucleotides before coding exon 9 in the NSUN2 gene. Based on insufficient or conflicting evidence, the clinical significance of this alteration remains unclear.

Genetic Services Laboratory, University of Chicago
Classification: Likely benign. Last evaluated: 2019-09-17. Review status: criteria provided, single submitter. Criteria: ACMG Guidelines, 2015. Collection method: clinical testing. Allele origin: germline. Affected: no.

Literature cited by the submitters: PubMed 17576681 (cited by Labcorp Genetics (formerly Invitae), Labcorp); PubMed 9536098 (cited by Labcorp Genetics (formerly Invitae), Labcorp).

NM_017755.6(NSUN2):c.891-3T>C

Gene: NSUN2 (NOP2/Sun RNA methyltransferase 2; minus strand). Cytogenetic location: 5p15.31.
Variant type: single nucleotide variant.
Coding change: c.891-3T>C on transcript NM_017755.6 (MANE Select); 3 bases into the intron before coding-DNA position 891, T replaced by C.
Molecular consequence: intron variant.
Genome position (GRCh38, 1-based): chr5:6,616,860, A>G on the plus strand (T>C on the coding strand, the complement: NSUN2 is on the minus strand). VCF-style: chr5-6616860-A-G. GRCh37 (hg19) VCF-style: chr5-6616973-A-G.
Other names: c.786-3T>C (NM_001193455.2).
Identifiers: ClinVar variation 1337364 (VCV001337364.7), dbSNP rs765461729, ClinGen allele CA3192616.
Genomic context (GRCh38, chr5:6,616,860, plus strand): 5'-CATCCTTCCACCTTCAGCCAGCTGTTCAGCCCCGCGTGTTGCAATCCGCAGCTGTAAGCT[A>G]AGGGGAGATATCAGATGACTGCAAGGCCAAATGTATCCATGAAGTGCACATATTAGAAGC-3'